The following is an entry in ClinVar:

NM_024334.3(TMEM43):c.853C>A (p.Leu285Ile)

Gene: TMEM43 (transmembrane protein 43; plus strand). Cytogenetic location: 3p25.1.
Variant type: single nucleotide variant.
Coding change: c.853C>A on transcript NM_024334.3 (MANE Select); coding-DNA position 853, C replaced by A.
Protein change: p.Leu285Ile; replaces leucine 285 with isoleucine.
Molecular consequence: missense variant.
Genome position (GRCh38, 1-based): chr3:14,135,879, C>A. VCF-style: chr3-14135879-C-A. GRCh37 (hg19) VCF-style: chr3-14177379-C-A.
Other names: c.856C>A, p.Leu286Ile (NM_001407274.1); c.850C>A, p.Leu284Ile (NM_001407275.1, NM_001407277.1); c.853C>A, p.Leu285Ile (NM_001407276.1); c.838C>A, p.Leu280Ile (NM_001407278.1); c.778C>A, p.Leu260Ile (NM_001407279.1); c.703C>A, p.Leu235Ile (NM_001407280.1); short protein forms L235I, L260I, L280I, L284I, L285I, L286I.
Identifiers: ClinVar variation 3070703 (VCV003070703.2), dbSNP rs186530498, ClinGen allele CA055827.

ClinVar aggregate classification (germline): Conflicting classifications of pathogenicity. Review status: criteria provided, conflicting classifications (1 of 4 stars). 2 submissions from 2 submitters: Uncertain significance (1); Likely benign (1). Last evaluated 2024-11-10.

Conditions:
Arrhythmogenic right ventricular dysplasia 5. Also called: Arrhythmogenic Right Ventricular Dysplasia/Cardiomyopathy 5; ARRHYTHMOGENIC RIGHT VENTRICULAR DYSPLASIA, FAMILIAL, 5. Identifiers: MedGen C1858379, MONDO:0011459, OMIM 604400.
Cardiovascular phenotype. Identifiers: MedGen CN230736.

Allele frequency attached by ClinVar (database versions not stated): 1000 Genomes Project 0.00020; 1000 Genomes Project 30x 0.00031.
gnomAD v4.1: 12 of 1,614,218 alleles (0.00074%); highest among the groups gnomAD compares: East Asian, 0.025%; no homozygotes.

Submissions (2):

Ambry Genetics
Classification: Likely benign for Cardiovascular phenotype. Last evaluated: 2024-11-10. Review status: criteria provided, single submitter. Criteria: Ambry Variant Classification Scheme 2023. Collection method: clinical testing. Allele origin: germline.

All of Us Research Program, National Institutes of Health
Classification: Uncertain significance for Arrhythmogenic right ventricular dysplasia 5. Last evaluated: 2023-07-10. Review status: criteria provided, single submitter. Criteria: ACMG Guidelines, 2015. Collection method: clinical testing. Allele origin: germline. Inheritance: Autosomal dominant inheritance. Observed: 2 variant alleles, 2 heterozygotes.
Comment: This missense variant replaces leucine with isoleucine at codon 285 of the TMEM43 protein. Computational prediction suggests that this variant may not impact protein structure and function (internally defined REVEL score threshold <= 0.5, PMID: 27666373). To our knowledge, functional studies have not been reported for this variant. This variant has not been reported in individuals affected with TMEM43-related disorders in the literature. This variant has been identified in 12/281894 chromosomes in the general population by the Genome Aggregation Database (gnomAD). The available evidence is insufficient to determine the role of this variant in disease conclusively. Therefore, this variant is classified as a Variant of Uncertain Significance.

This study involves interpretation of variants in research participants for the purpose of population health screening. Participant phenotype was not available at the time of variant classification. Additional details can be found in publication PMID: 35346344, PMCID: PMC8962531